The following is an entry in ClinVar:

NM_002474.3(MYH11):c.1354G>A (p.Ala452Thr)

Gene: MYH11 (myosin heavy chain 11; minus strand). Cytogenetic location: 16p13.11.
Variant type: single nucleotide variant.
Coding change: c.1354G>A on transcript NM_002474.3 (MANE Select); coding-DNA position 1354, G replaced by A.
Protein change: p.Ala452Thr; replaces alanine 452 with threonine.
Molecular consequence: missense variant.
Genome position (GRCh38, 1-based): chr16:15,759,623, C>T on the plus strand (G>A on the coding strand, the complement: MYH11 is on the minus strand). VCF-style: chr16-15759623-C-T. GRCh37 (hg19) VCF-style: chr16-15853480-C-T.
Other names: c.1375G>A, p.Ala459Thr (NM_001040113.2, NM_001040114.2); c.1354G>A, p.Ala452Thr (NM_022844.3); short protein forms A452T, A459T.
Identifiers: ClinVar variation 423896 (VCV000423896.11), dbSNP rs749264459, ClinGen allele CA7922633.

ClinVar aggregate classification (germline): Uncertain significance. Review status: criteria provided, multiple submitters, no conflicts (2 of 4 stars). 4 submissions from 4 submitters: Uncertain significance (4). Last evaluated 2024-10-16.

Conditions:
Familial thoracic aortic aneurysm and aortic dissection (TAAD). Also called: Thoracic aortic aneurysms and dissections. Identifiers: Orphanet 91387, MedGen C4707243, MONDO:0019625.
Aortic aneurysm, familial thoracic 4 (AAT4). Also called: AORTIC ANEURYSM/AORTIC DISSECTION AND PATENT DUCTUS ARTERIOSUS. Identifiers: MedGen C1851504, MONDO:0007568, OMIM 132900.

Allele frequency attached by ClinVar (database versions not stated): gnomAD exomes below 0.00001; TOPMed below 0.00001; ExAC 0.00001.
gnomAD v4.1: 3 of 1,614,196 alleles (0.00019%); highest among the groups gnomAD compares: Non-Finnish European, 0.00025%; no homozygotes.

Submissions (4):

Labcorp Genetics (formerly Invitae), Labcorp
Classification: Uncertain significance for Aortic aneurysm, familial thoracic 4. Last evaluated: 2024-10-16. Review status: criteria provided, single submitter. Criteria: Invitae Variant Classification Sherloc (09022015). Collection method: clinical testing. Allele origin: germline.
Comment: This sequence change replaces alanine, which is neutral and non-polar, with threonine, which is neutral and polar, at codon 459 of the MYH11 protein (p.Ala459Thr). This variant is present in population databases (rs749264459, gnomAD 0.0009%). This variant has not been reported in the literature in individuals affected with MYH11-related conditions. ClinVar contains an entry for this variant (Variation ID: 423896). An algorithm developed to predict the effect of missense changes on protein structure and function (PolyPhen-2) suggests that this variant is likely to be disruptive. In summary, the available evidence is currently insufficient to determine the role of this variant in disease. Therefore, it has been classified as a Variant of Uncertain Significance.

Ambry Genetics
Classification: Uncertain significance for Familial thoracic aortic aneurysm and aortic dissection. Last evaluated: 2024-01-22. Review status: criteria provided, single submitter. Criteria: Ambry Variant Classification Scheme 2023. Collection method: clinical testing. Allele origin: germline.
Comment: The p.A452T variant (also known as c.1354G>A), located in coding exon 11 of the MYH11 gene, results from a G to A substitution at nucleotide position 1354. The alanine at codon 452 is replaced by threonine, an amino acid with similar properties. This amino acid position is conserved. In addition, the in silico prediction for this alteration is inconclusive. Since supporting evidence is limited at this time, the clinical significance of this alteration remains unclear.

All of Us Research Program, National Institutes of Health
Classification: Uncertain significance for Familial thoracic aortic aneurysm and aortic dissection. Last evaluated: 2023-05-04. Review status: criteria provided, single submitter. Criteria: ACMG Guidelines, 2015. Collection method: clinical testing. Allele origin: germline. Inheritance: Autosomal dominant inheritance. Observed: 1 variant allele, 1 heterozygote.
Comment: This missense variant replaces alanine with threonine at codon 459 of the MYH11 protein. Computational prediction suggests that this variant may have deleterious impact on protein structure and function (internally defined REVEL score threshold >= 0.7, PMID: 27666373). To our knowledge, functional studies have not been reported for this variant. This variant has not been reported in individuals affected with MYH11-related disorders in the literature. This variant has been identified in 1/251490 chromosomes in the general population by the Genome Aggregation Database (gnomAD). The available evidence is insufficient to determine the role of this variant in disease conclusively. Therefore, this variant is classified as a Variant of Uncertain Significance.

This study involves interpretation of variants in research participants for the purpose of population health screening. Participant phenotype was not available at the time of variant classification. Additional details can be found in publication PMID: 35346344, PMCID: PMC8962531

GeneDx
Classification: Uncertain significance. Last evaluated: 2022-03-23. Review status: criteria provided, single submitter. Criteria: GeneDx Variant Classification Process June 2021. Collection method: clinical testing. Allele origin: germline. Affected: yes.
Comment: Has not been previously published as pathogenic or benign to our knowledge; Not observed at significant frequency in large population cohorts (gnomAD); In silico analysis supports that this missense variant has a deleterious effect on protein structure/function